The following is an entry in ClinVar:

ClinVar aggregate classification (germline): Uncertain significance (1 of 4 stars; one submission).

Conditions:
Epileptic encephalopathy. Identifiers: MedGen C0543888, HP:0200134.

Allele frequency attached by ClinVar (database versions not stated): ExAC 0.00005; TOPMed 0.00005; 1000 Genomes Project 0.00020; 1000 Genomes Project 30x 0.00031.
gnomAD v4.1: 137 of 1,597,316 alleles (0.0086%); highest among the groups gnomAD compares: Non-Finnish European, 0.011%; no homozygotes.

Submission:

Labcorp Genetics (formerly Invitae), Labcorp
Classification: Uncertain significance for Epileptic encephalopathy. Last evaluated: 2025-01-23. Review status: criteria provided, single submitter. Criteria: Invitae Variant Classification Sherloc (09022015). Collection method: clinical testing. Allele origin: germline.
Comment: This sequence change replaces arginine, which is basic and polar, with histidine, which is basic and polar, at codon 1545 of the FASN protein (p.Arg1545His). This variant is present in population databases (rs41283363, gnomAD 0.007%). This variant has not been reported in the literature in individuals affected with FASN-related conditions. ClinVar contains an entry for this variant (Variation ID: 839403). An algorithm developed to predict the effect of missense changes on protein structure and function (PolyPhen-2) suggests that this variant is likely to be tolerated. In summary, the available evidence is currently insufficient to determine the role of this variant in disease. Therefore, it has been classified as a Variant of Uncertain Significance.

NM_004104.5(FASN):c.4634G>A (p.Arg1545His)

Gene: FASN (fatty acid synthase; minus strand). Cytogenetic location: 17q25.3.
Variant type: single nucleotide variant.
Coding change: c.4634G>A on transcript NM_004104.5 (MANE Select); coding-DNA position 4634, G replaced by A.
Protein change: p.Arg1545His; replaces arginine 1545 with histidine.
Molecular consequence: missense variant.
Genome position (GRCh38, 1-based): chr17:82,084,647, C>T on the plus strand (G>A on the coding strand, the complement: FASN is on the minus strand). VCF-style: chr17-82084647-C-T. GRCh37 (hg19) VCF-style: chr17-80042523-C-T.
Other names: short protein forms R1545H.
Identifiers: ClinVar variation 839403 (VCV000839403.8), dbSNP rs41283363, ClinGen allele CA8851987.
Genomic context (GRCh38, chr17:82,084,647, plus strand): 5'-GTGCAGAGCTGGGCGCCAGGGCAGGTGGGCTGGGCATGGCGCAGCGAGGAGCAGACCCAG[C>T]GGATGGAGGACAGGTCCCCCCGGGTGAGGGTGCTCACAAAGGCATGTGCCGTCGGCTCCT-3'
Protein context (NP_004095.4, residues 1535-1555): TLTRGDLSSI[Arg1545His]WVCSSLRHAQ